The following is an entry in ClinVar:

NM_001042492.3(NF1):c.3661C>T (p.Leu1221Phe)

Gene: NF1 (neurofibromin 1; plus strand). Cytogenetic location: 17q11.2.
Variant type: single nucleotide variant.
Coding change: c.3661C>T on transcript NM_001042492.3 (MANE Select); coding-DNA position 3661, C replaced by T.
Protein change: p.Leu1221Phe; replaces leucine 1221 with phenylalanine.
Molecular consequence: missense variant.
Genome position (GRCh38, 1-based): chr17:31,233,166, C>T. VCF-style: chr17-31233166-C-T. GRCh37 (hg19) VCF-style: chr17-29560184-C-T.
Other names: c.3661C>T, p.Leu1221Phe (NM_000267.4); short protein forms L1221F.
Identifiers: ClinVar variation 1733697 (VCV001733697.2), dbSNP rs747780947, ClinGen allele CA398990520.
Genomic context (GRCh38, chr17:31,233,166, plus strand): 5'-TTGGCTGATCGGTTTGAGAGATTGGTGGAACTGGTCACAATGATGGGTGATCAAGGAGAA[C>T]TCCCTATAGCGATGGCTCTGGCCAATGTGGTTCCTTGTTCTCAGTGGGTAAGTGATTAGA-3'
Protein context (NP_001035957.1, residues 1211-1231): LVTMMGDQGE[Leu1221Phe]PIAMALANVV

ClinVar aggregate classification (germline): Uncertain significance (1 of 4 stars; one submission).

Conditions:
Hereditary cancer-predisposing syndrome. Also called: Neoplastic Syndromes, Hereditary; Tumor predisposition; Hereditary Cancer Syndrome; Hereditary neoplastic syndrome. Identifiers: Orphanet 140162, MedGen C0027672, MeSH D009386, MONDO:0015356.
Cardiovascular phenotype. Identifiers: MedGen CN230736.

Submission:

Ambry Genetics
Classification: Uncertain significance for Cardiovascular phenotype; Hereditary cancer-predisposing syndrome. Last evaluated: 2022-09-19. Review status: criteria provided, single submitter. Criteria: Ambry Variant Classification Scheme 2023. Collection method: clinical testing. Allele origin: germline.
Comment: The p.L1221F variant (also known as c.3661C>T), located in coding exon 27 of the NF1 gene, results from a C to T substitution at nucleotide position 3661. The leucine at codon 1221 is replaced by phenylalanine, an amino acid with highly similar properties. This amino acid position is conserved. In addition, this alteration is predicted to be deleterious by in silico analysis. Since supporting evidence is limited at this time, the clinical significance of this alteration remains unclear.